The following is an entry in ClinVar:

NM_001206927.2(DNAH8):c.11398G>A (p.Val3800Ile)

Genes: DNAH8 (dynein axonemal heavy chain 8; plus strand), DNAH8-AS1 (DNAH8 antisense RNA 1; minus strand). Cytogenetic location: 6p21.2.
Variant type: single nucleotide variant.
Coding change: c.11398G>A on transcript NM_001206927.2 (MANE Select); coding-DNA position 11398, G replaced by A.
Protein change: p.Val3800Ile; replaces valine 3800 with isoleucine.
Molecular consequence: missense variant.
Genome position (GRCh38, 1-based): chr6:38,931,934, G>A. VCF-style: chr6-38931934-G-A. GRCh37 (hg19) VCF-style: chr6-38899710-G-A.
Other names: c.10747G>A, p.Val3583Ile (NM_001371.4); short protein forms V3800I, V3583I.
Identifiers: ClinVar variation 407271 (VCV000407271.8), dbSNP rs371600150, ClinGen allele CA3791035.

ClinVar aggregate classification (germline): Uncertain significance. Review status: criteria provided, multiple submitters, no conflicts (2 of 4 stars). 2 submissions from 2 submitters: Uncertain significance (2). Last evaluated 2022-12-01.

Conditions:
Primary ciliary dyskinesia. Also called: Ciliary dyskinesia. Identifiers: Orphanet 244, MedGen C0008780, MONDO:0016575, HP:0012265.

Allele frequency attached by ClinVar (database versions not stated): gnomAD 0.00001 and 0.00002; gnomAD exomes 0.00001 and 0.00002; TOPMed 0.00001; ExAC 0.00002; ESP Exome Variant Server 0.00008.
gnomAD v4.1: 21 of 1,610,328 alleles (0.0013%); highest among the groups gnomAD compares: Non-Finnish European, 0.0017%; no homozygotes.

Submissions (2):

Ambry Genetics
Classification: Uncertain significance. Last evaluated: 2022-12-01. Review status: criteria provided, single submitter. Criteria: Ambry Variant Classification Scheme 2023. Collection method: clinical testing. Allele origin: germline.

Labcorp Genetics (formerly Invitae), Labcorp
Classification: Uncertain significance for Primary ciliary dyskinesia. Last evaluated: 2018-05-08. Review status: criteria provided, single submitter. Criteria: Invitae Variant Classification Sherloc (09022015). Collection method: clinical testing. Allele origin: germline.
Comment: This sequence change replaces valine with isoleucine at codon 3800 of the DNAH8 protein (p.Val3800Ile). The valine residue is highly conserved and there is a small physicochemical difference between valine and isoleucine. This variant is present in population databases (rs371600150, ExAC 0.005%). This variant has not been reported in the literature in individuals with DNAH8-related disease. ClinVar contains an entry for this variant (Variation ID:¬†407271). Algorithms developed to predict the effect of missense changes on protein structure and function do not agree on the potential impact of this missense change (SIFT: "Deleterious"; PolyPhen-2: "Probably damaging"; Align-GVGD: "Class C0"). In summary, the available evidence is currently insufficient to determine the role of this variant in disease. Therefore, it has been classified as a Variant of Uncertain Significance.